The following is an entry in ClinVar:

NM_022089.4(ATP13A2):c.881G>C (p.Arg294Pro)

Gene: ATP13A2 (ATPase cation transporting 13A2; minus strand). Cytogenetic location: 1p36.13.
Variant type: single nucleotide variant.
Coding change: c.881G>C on transcript NM_022089.4 (MANE Select); coding-DNA position 881, G replaced by C.
Protein change: p.Arg294Pro; replaces arginine 294 with proline.
Molecular consequence: missense variant.
Genome position (GRCh38, 1-based): chr1:17,000,272, C>G on the plus strand (G>C on the coding strand, the complement: ATP13A2 is on the minus strand). VCF-style: chr1-17000272-C-G. GRCh37 (hg19) VCF-style: chr1-17326767-C-G.
Other names: c.866G>C, p.Arg289Pro (NM_001141973.3, NM_001141974.3); short protein forms R294P, R289P.
Identifiers: ClinVar variation 1764777 (VCV001764777.2), dbSNP rs56367069, ClinGen allele CA18641988.
Genomic context (GRCh38, chr1:17,000,272, plus strand): 5'-TCCTGCCCCCGCCCCCTGGGCCCTAGCTCCTCACCTCCCCCTGGCCGGCACACGCACACC[C>G]GCATGGACAACTTGACCATGTCCCTTAGAGTCTGGCTTTGCTGTGGGCAGGGGACAAGAG-3'
Protein context (NP_071372.1, residues 284-304): TLRDMVKLSM[Arg294Pro]VCVCRPGGEE

ClinVar aggregate classification (germline): Uncertain significance (1 of 4 stars; one submission).

Conditions:
Inborn genetic diseases. Identifiers: MedGen C0950123, MeSH D030342.

gnomAD v4.1: 29 of 1,577,634 alleles (0.0018%); highest among the groups gnomAD compares: Non-Finnish European, 0.0022%; no homozygotes.

Submission:

Ambry Genetics
Classification: Uncertain significance for Inborn genetic diseases. Last evaluated: 2018-06-19. Review status: criteria provided, single submitter. Criteria: Ambry Variant Classification Scheme 2023. Collection method: clinical testing. Allele origin: germline.
Comment: The p.R294P variant (also known as c.881G>C), located in coding exon 10 of the ATP13A2 gene, results from a G to C substitution at nucleotide position 881. The arginine at codon 294 is replaced by proline, an amino acid with dissimilar properties. This amino acid position is poorly conserved in available vertebrate species. In addition, the in silico prediction for this alteration is inconclusive. Since supporting evidence is limited at this time, the clinical significance of this alteration remains unclear.